The following is an entry in ClinVar:

NM_001042492.3(NF1):c.3509A>T (p.His1170Leu)

Gene: NF1 (neurofibromin 1; plus strand). Cytogenetic location: 17q11.2.
Variant type: single nucleotide variant.
Coding change: c.3509A>T on transcript NM_001042492.3 (MANE Select); coding-DNA position 3509, A replaced by T.
Protein change: p.His1170Leu; replaces histidine 1170 with leucine.
Molecular consequence: missense variant.
Genome position (GRCh38, 1-based): chr17:31,233,014, A>T. VCF-style: chr17-31233014-A-T. GRCh37 (hg19) VCF-style: chr17-29560032-A-T.
Other names: c.3509A>T, p.His1170Leu (NM_000267.4); short protein forms H1170L.
Identifiers: ClinVar variation 823864 (VCV000823864.10), dbSNP rs1597719889, ClinGen allele CA398989677.

ClinVar aggregate classification (germline): Conflicting classifications of pathogenicity. Review status: criteria provided, conflicting classifications (1 of 4 stars). 3 submissions from 3 submitters: Likely pathogenic (1); Uncertain significance (2). Last evaluated 2024-12-17.

Conditions:
Hereditary cancer-predisposing syndrome. Also called: Neoplastic Syndromes, Hereditary; Hereditary Cancer Syndrome; Hereditary neoplastic syndrome; Tumor predisposition. Identifiers: Orphanet 140162, MedGen C0027672, MeSH D009386, MONDO:0015356.
Cardiovascular phenotype. Identifiers: MedGen CN230736.
Neurofibromatosis, type 1 (NF1). Also called: Neurofibromatosis, type I; Peripheral type neurofibromatosis; VON RECKLINGHAUSEN DISEASE; NEUROFIBROMATOSIS, TYPE I, SOMATIC. Identifiers: Orphanet 636, MedGen C0027831, MONDO:0018975, OMIM 162200. Disease mechanism: loss of function.

Submissions (3):

GeneDx
Classification: Uncertain significance. Last evaluated: 2024-12-17. Review status: criteria provided, single submitter. Criteria: GeneDx Variant Classification Process June 2021. Collection method: clinical testing. Allele origin: germline. Affected: yes.
Comment: Identified in a patient with cafe-au-lait macules and freckling in published literature (PMID: 25324867); Not observed at significant frequency in large population cohorts (gnomAD); In silico analysis supports that this missense variant has a deleterious effect on protein structure/function; This variant is associated with the following publications: (PMID: 2121369, 25486365, 22807134, 25324867)

Labcorp Genetics (formerly Invitae), Labcorp
Classification: Likely pathogenic for Neurofibromatosis, type 1. Last evaluated: 2020-10-07. Review status: criteria provided, single submitter. Criteria: Invitae Variant Classification Sherloc (09022015). Collection method: clinical testing. Allele origin: germline.
Comment: In summary, the currently available evidence indicates that the variant is pathogenic, but additional data are needed to prove that conclusively. Therefore, this variant has been classified as Likely Pathogenic. Advanced modeling of protein sequence and biophysical properties (such as structural, functional, and spatial information, amino acid conservation, physicochemical variation, residue mobility, and thermodynamic stability) performed at Invitae indicates that this missense variant is expected to disrupt NF1 protein function. This variant has been observed in an individual with NF1 (PMID: 25324867). ClinVar contains an entry for this variant (Variation ID: 823864). This variant is not present in population databases (ExAC no frequency). This sequence change replaces histidine with leucine at codon 1170 of the NF1 protein (p.His1170Leu). The histidine residue is moderately conserved and there is a moderate physicochemical difference between histidine and leucine.

Ambry Genetics
Classification: Uncertain significance for Cardiovascular phenotype; Hereditary cancer-predisposing syndrome. Last evaluated: 2018-05-08. Review status: criteria provided, single submitter. Criteria: Ambry Variant Classification Scheme 2023. Collection method: clinical testing. Allele origin: germline.
Comment: The p.H1170L variant (also known as c.3509A>T), located in coding exon 27 of the NF1 gene, results from an A to T substitution at nucleotide position 3509. The histidine at codon 1170 is replaced by leucine, an amino acid with similar properties. This alteration has been reported in an individual with neurofibromatosis 1 (Kim MJ et al. Korean J Pediatr, 2014 Sep;57:410-5). This amino acid position is highly conserved in available vertebrate species. In addition, this alteration is predicted to be deleterious by in silico analysis. Since supporting evidence is limited at this time, the clinical significance of this alteration remains unclear.

Literature cited by the submitters: PubMed 25324867 (cited by Labcorp Genetics (formerly Invitae), Labcorp).